The following is an entry in ClinVar:

NM_003579.4(RAD54L):c.253C>T (p.Pro85Ser)

Gene: RAD54L (RAD54 like; plus strand). Cytogenetic location: 1p34.1.
Variant type: single nucleotide variant.
Coding change: c.253C>T on transcript NM_003579.4 (MANE Select); coding-DNA position 253, C replaced by T.
Protein change: p.Pro85Ser; replaces proline 85 with serine.
Molecular consequence: missense variant. On other transcripts: 5 prime UTR variant (1).
Genome position (GRCh38, 1-based): chr1:46,258,728, C>T. VCF-style: chr1-46258728-C-T. GRCh37 (hg19) VCF-style: chr1-46724400-C-T.
Other names: c.253C>T, p.Pro85Ser (NM_001142548.2); c.-288C>T (NM_001370766.1); short protein forms P85S.
Identifiers: ClinVar variation 3223434 (VCV003223434.1), dbSNP rs761954096, ClinGen allele CA834184.

ClinVar aggregate classification (germline): Uncertain significance (1 of 4 stars; one submission).

Allele frequency attached by ClinVar (database versions not stated): gnomAD exomes below 0.00001; ExAC 0.00001.
gnomAD v4.1: 4 of 1,605,262 alleles (0.00025%); highest among the groups gnomAD compares: South Asian, 0.0011%; no homozygotes.

Submission:

Ambry Genetics
Classification: Uncertain significance. Last evaluated: 2023-09-18. Review status: criteria provided, single submitter. Criteria: Ambry Variant Classification Scheme 2023. Collection method: clinical testing. Allele origin: germline.
Comment: The p.P85S variant (also known as c.253C>T), located in coding exon 4 of the RAD54L gene, results from a C to T substitution at nucleotide position 253. The proline at codon 85 is replaced by serine, an amino acid with similar properties. This amino acid position is conserved. In addition, the in silico prediction for this alteration is inconclusive. Since supporting evidence is limited at this time, the clinical significance of this alteration remains unclear.